The following is an entry in ClinVar:

NM_201384.3(PLEC):c.9386A>G (p.Gln3129Arg)

Gene: PLEC (plectin; minus strand). Cytogenetic location: 8q24.3.
Variant type: single nucleotide variant.
Coding change: c.9386A>G on transcript NM_201384.3 (MANE Select); coding-DNA position 9386, A replaced by G.
Protein change: p.Gln3129Arg; replaces glutamine 3129 with arginine.
Molecular consequence: missense variant.
Genome position (GRCh38, 1-based): chr8:143,920,435, T>C on the plus strand (A>G on the coding strand, the complement: PLEC is on the minus strand). VCF-style: chr8-143920435-T-C. GRCh37 (hg19) VCF-style: chr8-144994603-T-C.
Other names: c.9467A>G, p.Gln3156Arg (NM_000445.5); c.9344A>G, p.Gln3115Arg (NM_201378.4); c.9320A>G, p.Gln3107Arg (NM_201379.3); c.9797A>G, p.Gln3266Arg (NM_201380.4); c.9290A>G, p.Gln3097Arg (NM_201381.3); c.9386A>G, p.Gln3129Arg (NM_201382.4); c.9398A>G, p.Gln3133Arg (NM_201383.3); short protein forms Q3115R, Q3133R, Q3107R, Q3097R, Q3129R, Q3156R, Q3266R.
Identifiers: ClinVar variation 939732 (VCV000939732.10), dbSNP rs782543325, ClinGen allele CA4924987.
Genomic context (GRCh38, chr8:143,920,435, plus strand): 5'-CTCTTGCTGGGGTCCACGATGCCGCCCGTGGACAGCTGGGCGTCCAACAGGCGCAGGCCC[T>C]GCTCCCGGGGAATGAGGCCCTTCTTCAGGGCCTGGAACAGGGAGACGCTCTGCCCTGTGT-3'
Protein context (NP_958786.1, residues 3119-3139): ALKKGLIPRE[Gln3129Arg]GLRLLDAQLS

ClinVar aggregate classification (germline): Uncertain significance (1 of 4 stars; one submission).

Conditions:
Epidermolysis bullosa simplex 5B, with muscular dystrophy (EBS5B). Also called: EPIDERMOLYSIS BULLOSA SIMPLEX AND LIMB-GIRDLE MUSCULAR DYSTROPHY; Epidermolysis bullosa simplex with muscular dystrophy. Identifiers: Orphanet 257, MedGen C2931072, MONDO:0009181, OMIM 226670.
Epidermolysis bullosa simplex, Ogna type (EBS5A). Also called: Pidermolysis bullosa simplex 5A, Ogna type; EPIDERMOLYSIS BULLOSA SIMPLEX 5A, OGNA TYPE. Identifiers: Orphanet 79401, MedGen C0432317, MONDO:0007555, OMIM 131950.
Epidermolysis bullosa simplex 5C, with pyloric atresia (EBS5C). Also called: Epidermolysis bullosa simplex with pyloric atresia; PLEC-Related Epidermolysis Bullosa with Pyloric Atresia; PLEC1-Related Epidermolysis Bullosa with Pyloric Atresia. Identifiers: Orphanet 158684, MedGen C2677349, MONDO:0012807, OMIM 612138.
Epidermolysis bullosa simplex with nail dystrophy (EBS5D). Identifiers: MedGen C4225309, MONDO:0014661, OMIM 616487.
Autosomal recessive limb-girdle muscular dystrophy type 2Q (LGMDR17). Also called: MUSCULAR DYSTROPHY, LIMB-GIRDLE, AUTOSOMAL RECESSIVE 17. Identifiers: Orphanet 254361, MedGen C3150989, MONDO:0013390, OMIM 613723.

Allele frequency attached by ClinVar (database versions not stated): gnomAD exomes below 0.00001; ExAC 0.00001.
gnomAD v4.1: 1 of 1,598,604 alleles (0.000063%); highest among the groups gnomAD compares: Admixed American, 0.0017%; no homozygotes.

Submission:

Labcorp Genetics (formerly Invitae), Labcorp
Classification: Uncertain significance for Autosomal recessive limb-girdle muscular dystrophy type 2Q; Epidermolysis bullosa simplex, Ogna type; Epidermolysis bullosa simplex with nail dystrophy; Epidermolysis bullosa simplex 5C, with pyloric atresia; Epidermolysis bullosa simplex 5B, with muscular dystrophy. Last evaluated: 2021-07-29. Review status: criteria provided, single submitter. Criteria: Invitae Variant Classification Sherloc (09022015). Collection method: clinical testing. Allele origin: germline.
Comment: In summary, the available evidence is currently insufficient to determine the role of this variant in disease. Therefore, it has been classified as a Variant of Uncertain Significance. Algorithms developed to predict the effect of missense changes on protein structure and function (SIFT, PolyPhen-2, Align-GVGD) all suggest that this variant is likely to be tolerated, but these predictions have not been confirmed by published functional studies and their clinical significance is uncertain. This variant has not been reported in the literature in individuals with PLEC-related conditions. This variant is present in population databases (rs782543325, ExAC 0.01%). This sequence change replaces glutamine with arginine at codon 3156 of the PLEC protein (p.Gln3156Arg). The glutamine residue is moderately conserved and there is a small physicochemical difference between glutamine and arginine.